The following is an entry in ClinVar:

ClinVar aggregate classification (germline): Uncertain significance (1 of 4 stars; one submission).

Submission:

GeneDx
Classification: Uncertain significance. Last evaluated: 2026-03-27. Review status: criteria provided, single submitter. Criteria: GeneDx Variant Classification Process June 2021. Collection method: clinical testing. Allele origin: germline.
Comment: Not observed at significant frequency in large population cohorts (gnomAD); In silico analysis suggests that this missense variant does not alter protein structure/function; Has not been previously published as pathogenic or benign to our knowledge

NM_002941.4(ROBO1):c.4081G>C (p.Asp1361His)

Gene: ROBO1 (roundabout guidance receptor 1; minus strand). Cytogenetic location: 3p12.3.
Variant type: single nucleotide variant.
Coding change: c.4081G>C on transcript NM_002941.4 (MANE Select); coding-DNA position 4081, G replaced by C.
Protein change: p.Asp1361His; replaces aspartic acid 1361 with histidine.
Molecular consequence: missense variant.
Genome position (GRCh38, 1-based): chr3:78,617,836, C>G on the plus strand (G>C on the coding strand, the complement: ROBO1 is on the minus strand). VCF-style: chr3-78617836-C-G. GRCh37 (hg19) VCF-style: chr3-78666986-C-G.
Other names: c.3781G>C, p.Asp1261His (NM_001145845.2); c.3946G>C, p.Asp1316His (NM_133631.4); short protein forms D1261H, D1316H, D1361H.
Identifiers: ClinVar variation 5017776 (VCV005017776.1).
Genomic context (GRCh38, chr3:78,617,836, plus strand): 5'-CCTCCTCTGAGGCTGAGCCCCAGCCGTTGATCATGGACCCCGTGACAGAGCTCTCCAGGT[C>G]CCCAACACTGGAGGCAGGTGTCTGCTCAAGCCCACGTAACAAAAGCCTTCTGGTTTGCAT-3'
Protein context (NP_002932.1, residues 1351-1371): LEQTPASSVG[Asp1361His]LESSVTGSMI